The following is an entry in ClinVar:

NM_001135556.2(DYNC1I1):c.1651-9C>A

Gene: DYNC1I1 (dynein cytoplasmic 1 intermediate chain 1; plus strand). Cytogenetic location: 7q21.3.
Variant type: single nucleotide variant.
Coding change: c.1651-9C>A on transcript NM_001135556.2 (MANE Select); 9 bases into the intron before coding-DNA position 1651, C replaced by A.
Molecular consequence: intron variant.
Genome position (GRCh38, 1-based): chr7:96,080,354, C>A. VCF-style: chr7-96080354-C-A. GRCh37 (hg19) VCF-style: chr7-95709666-C-A.
Other names: c.1591-9C>A (NM_001278422.2, NM_001135557.2); c.1702-9C>A (NM_004411.5); c.1642-9C>A (NM_001278421.2).
Identifiers: ClinVar variation 402812 (VCV000402812.16), dbSNP rs42082, ClinGen allele CA4352584.

ClinVar aggregate classification (germline): Benign. Review status: criteria provided, multiple submitters, no conflicts (2 of 4 stars). 4 submissions from 4 submitters: Benign (3). 1 of the submissions does not count toward it. Last evaluated 2026-02-01.

Conditions:
DYNC1I1-related disorder. Also called: DYNC1I1-related condition.

Allele frequency attached by ClinVar (database versions not stated): 1000 Genomes Project 30x 0.43364; 1000 Genomes Project 0.43650; TOPMed 0.45282; gnomAD 0.45578 and 0.45665; ESP Exome Variant Server 0.46248; ExAC 0.48975.
gnomAD v4.1: 796,206 of 1,592,128 alleles (50%); highest among the groups gnomAD compares: Middle Eastern, 54%; 202,263 homozygotes.

Submissions (5):

Labcorp Genetics (formerly Invitae), Labcorp
Classification: Benign. Last evaluated: 2026-02-01. Review status: criteria provided, single submitter. Criteria: Invitae Variant Classification Sherloc (09022015). Collection method: clinical testing. Allele origin: germline.

Laboratory for Molecular Medicine, Mass General Brigham Personalized Medicine
Classification: Benign. Last evaluated: 2016-03-29. Review status: criteria provided, single submitter. Criteria: LMM Criteria. Collection method: clinical testing. Allele origin: germline.
Comment: Variant identified in a genome or exome case(s) and assessed due to predicted null impact of the variant or pathogenic assertions in the literature or databases. Disclaimer: This variant has not undergone full assessment. The following are preliminary notes: Frequency

Breakthrough Genomics
Classification: Benign. Review status: criteria provided, single submitter. Criteria: ACMG Guidelines, 2015. Collection method: not provided. Allele origin: germline. Inheritance: Unknown mechanism. Affected: yes.

PreventionGenetics, part of Exact Sciences
Classification: Benign for DYNC1I1-related condition. Last evaluated: 2019-03-26. Review status: no assertion criteria provided. Collection method: clinical testing. Allele origin: germline. Not counted in ClinVar's aggregate classification.
Comment: This variant is classified as benign based on ACMG/AMP sequence variant interpretation guidelines (Richards et al. 2015 PMID: 25741868, with internal and published modifications).

Dr. Peter K. Rogan Lab, Western University
No classification provided (evidence only). Condition: Hepatocellular carcinoma. Review status: no classification provided. Collection method: in vitro. Allele origin: not applicable. Functional consequence: retained intron. Not counted in ClinVar's aggregate classification.